The following is an entry in ClinVar:

ClinVar aggregate classification (germline): Benign/Likely benign. Review status: criteria provided, multiple submitters, no conflicts (2 of 4 stars). 5 submissions from 5 submitters: Benign (3); Likely benign (1). 1 of the submissions does not count toward it. Last evaluated 2026-02-02.

Conditions:
MRTFA-related disorder. Also called: MRTFA-related condition.

Allele frequency attached by ClinVar (database versions not stated): 1000 Genomes Project 0.20028; ESP Exome Variant Server 0.20757; 1000 Genomes Project 30x 0.21377.
gnomAD v4.1: 62,379 of 1,603,992 alleles (3.9%); highest among the groups gnomAD compares: African/African-American, 64%; 16,010 homozygotes.

Submissions (5):

Labcorp Genetics (formerly Invitae), Labcorp
Classification: Benign. Last evaluated: 2026-02-02. Review status: criteria provided, single submitter. Criteria: Invitae Variant Classification Sherloc (09022015). Collection method: clinical testing. Allele origin: germline.

Blueprint Genetics
Classification: Likely benign. Last evaluated: 2024-11-28. Review status: criteria provided, single submitter. Criteria: ACMG Guidelines, 2015. Collection method: clinical testing. Allele origin: germline.

Mayo Clinic Laboratories, Mayo Clinic
Classification: Benign. Last evaluated: 2022-09-06. Review status: criteria provided, single submitter. Criteria: ACMG Guidelines, 2015. Collection method: clinical testing. Allele origin: germline. Observed: 2 variant alleles.

Breakthrough Genomics
Classification: Benign. Review status: criteria provided, single submitter. Criteria: ACMG Guidelines, 2015. Collection method: not provided. Allele origin: germline. Inheritance: Autosomal recessive inheritance. Affected: yes.

PreventionGenetics, part of Exact Sciences
Classification: Benign for MRTFA-related condition. Last evaluated: 2019-07-08. Review status: no assertion criteria provided. Collection method: clinical testing. Allele origin: germline. Not counted in ClinVar's aggregate classification.
Comment: This variant is classified as benign based on ACMG/AMP sequence variant interpretation guidelines (Richards et al. 2015 PMID: 25741868, with internal and published modifications).

NM_020831.6(MRTFA):c.1653C>G (p.Pro551=)

Gene: MRTFA (myocardin related transcription factor A; minus strand). Cytogenetic location: 22q13.1.
Variant type: single nucleotide variant.
Coding change: c.1653C>G on transcript NM_020831.6 (MANE Select); coding-DNA position 1653, C replaced by G.
Protein change: p.Pro551=; no amino-acid change (proline 551 retained).
Molecular consequence: synonymous variant.
Genome position (GRCh38, 1-based): chr22:40,419,085, G>C on the plus strand (C>G on the coding strand, the complement: MRTFA is on the minus strand). VCF-style: chr22-40419085-G-C. GRCh37 (hg19) VCF-style: chr22-40815089-G-C.
Other names: p.Pro551=; c.1353C>G, p.Pro451= (NM_001282660.2); c.1503C>G, p.Pro501= (NM_001282661.3); c.1653C>G, p.Pro551= (NM_001282662.3); c.1458C>G, p.Pro486= (NM_001318139.2); c.1353C>G (NM_020831.4).
Identifiers: ClinVar variation 1169626 (VCV001169626.14), dbSNP rs8135911, ClinGen allele CA10249606.